The following is an entry in ClinVar:

ClinVar aggregate classification (germline): Uncertain significance. Review status: criteria provided, multiple submitters, no conflicts (2 of 4 stars). 2 submissions from 2 submitters: Uncertain significance (2). Last evaluated 2025-11-01.

Conditions:
Familial sleep-related hypermotor epilepsy. Also called: Autosomal Dominant Sleep-Related Hypermotor (Hyperkinetic) Epilepsy. Identifiers: Orphanet 98784, MedGen C3696898, MONDO:0000030.

gnomAD v4.1: 1 of 1,535,744 alleles (0.000065%); highest among the groups gnomAD compares: Non-Finnish European, 0.000087%; no homozygotes.

Submissions (2):

CeGaT Center for Human Genetics Tuebingen
Classification: Uncertain significance. Last evaluated: 2025-11-01. Review status: criteria provided, single submitter. Criteria: CeGaT Center For Human Genetics Tuebingen Variant Classification Criteria Version 2. Collection method: clinical testing. Allele origin: germline. Affected: yes. Observed: 1 variant allele.
Comment: CHRNB2: PM2

Labcorp Genetics (formerly Invitae), Labcorp
Classification: Uncertain significance. Last evaluated: 2021-06-13. Review status: criteria provided, single submitter. Criteria: Invitae Variant Classification Sherloc (09022015). Collection method: clinical testing. Allele origin: germline.
Comment: This sequence change replaces proline with glutamine at codon 419 of the CHRNB2 protein (p.Pro419Gln). The proline residue is moderately conserved and there is a moderate physicochemical difference between proline and glutamine. The frequency data for this variant in the population databases is considered unreliable, as metrics indicate insufficient coverage at this position in the ExAC database. This variant has not been reported in the literature in individuals with CHRNB2-related conditions. Advanced modeling of protein sequence and biophysical properties (such as structural, functional, and spatial information, amino acid conservation, physicochemical variation, residue mobility, and thermodynamic stability) performed at Invitae indicates that this missense variant is not expected to disrupt CHRNB2 protein function. In summary, the available evidence is currently insufficient to determine the role of this variant in disease. Therefore, it has been classified as a Variant of Uncertain Significance.

NM_000748.3(CHRNB2):c.1256C>A (p.Pro419Gln)

Gene: CHRNB2 (cholinergic receptor nicotinic beta 2 subunit; plus strand). Cytogenetic location: 1q21.3.
Variant type: single nucleotide variant.
Coding change: c.1256C>A on transcript NM_000748.3 (MANE Select); coding-DNA position 1256, C replaced by A.
Protein change: p.Pro419Gln; replaces proline 419 with glutamine.
Molecular consequence: missense variant.
Genome position (GRCh38, 1-based): chr1:154,572,079, C>A. VCF-style: chr1-154572079-C-A. GRCh37 (hg19) VCF-style: chr1-154544555-C-A.
Other names: short protein forms P419Q.
Identifiers: ClinVar variation 1498526 (VCV001498526.14), dbSNP rs908723251, ClinGen allele CA342631793.
Genomic context (GRCh38, chr1:154,572,079, plus strand): 5'-TGGCCGGGGCCTTCGGGGCTGAGCCTGCACCAGTGGCGGGCCCCGGGCGCTCAGGGGAGC[C>A]GTGTGGCTGTGGCCTCCGGGAGGCGGTGGACGGCGTGCGCTTCATCGCAGACCACATGCG-3'
Protein context (NP_000739.1, residues 409-429): PVAGPGRSGE[Pro419Gln]CGCGLREAVD